The following is an entry in ClinVar:

ClinVar aggregate classification (germline): Uncertain significance (1 of 4 stars; one submission).

Conditions:
Hereditary cancer-predisposing syndrome. Also called: Neoplastic Syndromes, Hereditary; Tumor predisposition; Hereditary Cancer Syndrome; Hereditary neoplastic syndrome. Identifiers: Orphanet 140162, MedGen C0027672, MeSH D009386, MONDO:0015356.

gnomAD v4.1: 1 of 1,614,246 alleles (0.000062%); highest among the groups gnomAD compares: Non-Finnish European, 0.000085%; no homozygotes.

Submission:

Ambry Genetics
Classification: Uncertain significance for Hereditary cancer-predisposing syndrome. Last evaluated: 2022-01-21. Review status: criteria provided, single submitter. Criteria: Ambry Variant Classification Scheme 2023. Collection method: clinical testing. Allele origin: germline.
Comment: The p.N1011K variant (also known as c.3033C>G), located in coding exon 18 of the PTCH1 gene, results from a C to G substitution at nucleotide position 3033. The asparagine at codon 1011 is replaced by lysine, an amino acid with similar properties. This amino acid position is conserved. In addition, this alteration is predicted to be tolerated by in silico analysis. Since supporting evidence is limited at this time, the clinical significance of this alteration remains unclear.

NM_000264.5(PTCH1):c.3033C>G (p.Asn1011Lys)

Gene: PTCH1 (patched 1; minus strand). Cytogenetic location: 9q22.32.
Variant type: single nucleotide variant.
Coding change: c.3033C>G on transcript NM_000264.5 (MANE Select); coding-DNA position 3033, C replaced by G.
Protein change: p.Asn1011Lys; replaces asparagine 1011 with lysine.
Molecular consequence: missense variant. On other transcripts: non-coding transcript variant (1).
Genome position (GRCh38, 1-based): chr9:95,458,148, G>C on the plus strand (C>G on the coding strand, the complement: PTCH1 is on the minus strand). VCF-style: chr9-95458148-G-C. GRCh37 (hg19) VCF-style: chr9-98220430-G-C.
Other names: c.2835C>G, p.Asn945Lys (NM_001083602.3); c.3030C>G, p.Asn1010Lys (NM_001083603.3); c.2580C>G, p.Asn860Lys (NM_001083604.3, NM_001083605.3, NM_001083606.3 and 1 more transcripts); c.2877C>G, p.Asn959Lys (NM_001354918.2); short protein forms N1011K, N959K, N945K, N1010K, N860K.
Identifiers: ClinVar variation 1799061 (VCV001799061.2), dbSNP rs772344953, ClinGen allele CA374112536.
Genomic context (GRCh38, chr9:95,458,148, plus strand): 5'-GAACAGCAGCAGCCAGTGGCGGAGGCCGATGTACTGCTCCCAGAAGAGGAAGGGGTAGCC[G>C]TTGGGGTAACTGGACAGCCCCAGGCTCGTATAGTTGCTGCAGATGGTCCTTACTTTTTCA-3'
Protein context (NP_000255.2, residues 1001-1021): YTSLGLSSYP[Asn1011Lys]GYPFLFWEQY